The following is an entry in ClinVar:

NM_000135.4(FANCA):c.2795G>A (p.Trp932Ter)

Gene: FANCA (FA complementation group A; minus strand). Cytogenetic location: 16q24.3.
Variant type: single nucleotide variant.
Coding change: c.2795G>A on transcript NM_000135.4 (MANE Select); coding-DNA position 2795, G replaced by A.
Protein change: p.Trp932Ter; replaces tryptophan 932 with a stop codon.
Molecular consequence: nonsense.
Genome position (GRCh38, 1-based): chr16:89,762,006, C>T on the plus strand (G>A on the coding strand, the complement: FANCA is on the minus strand). VCF-style: chr16-89762006-C-T. GRCh37 (hg19) VCF-style: chr16-89828414-C-T.
Other names: c.2795G>A, p.Trp932Ter (NM_001286167.3); short protein forms W932*.
Identifiers: ClinVar variation 5001374 (VCV005001374.1).

ClinVar aggregate classification (germline): Likely pathogenic (1 of 4 stars; one submission).

Conditions:
FANCA-related disorder. Also called: FANCA-related condition.

gnomAD v4.1: 1 of 1,613,752 alleles (0.000062%); highest among the groups gnomAD compares: Non-Finnish European, 0.000085%; no homozygotes.

Submission:

PreventionGenetics, part of Exact Sciences
Classification: Likely pathogenic for FANCA-related condition. Last evaluated: 2025-04-01. Review status: criteria provided, single submitter. Criteria: ACMG Guidelines, 2015. Collection method: clinical testing. Allele origin: germline.
Comment: The FANCA c.2795G>A variant is predicted to result in premature protein termination (p.Trp932*). To our knowledge, this variant has not been reported in the literature or in a large population database (gnomAD), indicating this variant is rare. Nonsense variants in FANCA are expected to be pathogenic. This variant is interpreted as likely pathogenic.